The following is an entry in ClinVar:

NM_000465.4(BARD1):c.257G>A (p.Cys86Tyr)

Gene: BARD1 (BRCA1 associated RING domain 1; minus strand). Cytogenetic location: 2q35.
Variant type: single nucleotide variant.
Coding change: c.257G>A on transcript NM_000465.4 (MANE Select); coding-DNA position 257, G replaced by A.
Protein change: p.Cys86Tyr; replaces cysteine 86 with tyrosine.
Molecular consequence: missense variant. On other transcripts: non-coding transcript variant (1), intron variant (2).
Genome position (GRCh38, 1-based): chr2:214,792,404, C>T on the plus strand (G>A on the coding strand, the complement: BARD1 is on the minus strand). VCF-style: chr2-214792404-C-T. GRCh37 (hg19) VCF-style: chr2-215657128-C-T.
Other names: c.200G>A, p.Cys67Tyr (NM_001282543.2); c.257G>A, p.Cys86Tyr (NM_001282549.2); c.158+17008G>A (NM_001282548.2); c.215+4657G>A (NM_001282545.2); short protein forms C67Y, C86Y.
Identifiers: ClinVar variation 4196007 (VCV004196007.1).

ClinVar aggregate classification (germline): Uncertain significance (1 of 4 stars; one submission).

Conditions:
Hereditary cancer-predisposing syndrome. Also called: Neoplastic Syndromes, Hereditary; Tumor predisposition; Hereditary Cancer Syndrome; Hereditary neoplastic syndrome. Identifiers: Orphanet 140162, MedGen C0027672, MeSH D009386, MONDO:0015356.

Submission:

Ambry Genetics
Classification: Uncertain significance for Hereditary cancer-predisposing syndrome. Last evaluated: 2025-06-17. Review status: criteria provided, single submitter. Criteria: Ambry Variant Classification Scheme 2023. Collection method: clinical testing. Allele origin: germline.
Comment: The p.C86Y variant (also known as c.257G>A), located in coding exon 3 of the BARD1 gene, results from a G to A substitution at nucleotide position 257. The cysteine at codon 86 is replaced by tyrosine, an amino acid with highly dissimilar properties. This amino acid position is highly conserved in available vertebrate species. In addition, this alteration is predicted to be deleterious by in silico analysis. Based on the available evidence, the clinical significance of this variant remains unclear.